The following is an entry in ClinVar:

NM_000465.4(BARD1):c.1875C>T (p.Leu625=)

Gene: BARD1 (BRCA1 associated RING domain 1; minus strand). Cytogenetic location: 2q35.
Variant type: single nucleotide variant.
Coding change: c.1875C>T on transcript NM_000465.4 (MANE Select); coding-DNA position 1875, C replaced by T.
Protein change: p.Leu625=; no amino-acid change (leucine 625 retained).
Molecular consequence: synonymous variant. On other transcripts: non-coding transcript variant (3), intron variant (1).
Genome position (GRCh38, 1-based): chr2:214,745,095, G>A on the plus strand (C>T on the coding strand, the complement: BARD1 is on the minus strand). VCF-style: chr2-214745095-G-A. GRCh37 (hg19) VCF-style: chr2-215609819-G-A.
Other names: c.1818C>T, p.Leu606= (NM_001282543.2); c.522C>T, p.Leu174= (NM_001282545.2); c.465C>T, p.Leu155= (NM_001282548.2); c.365-14587C>T (NM_001282549.2); c.1875C>T (NM_000465.2).
Identifiers: ClinVar variation 490949 (VCV000490949.7), dbSNP rs1396679779, ClinGen allele CA431144936.

ClinVar aggregate classification (germline): Benign/Likely benign. Review status: criteria provided, multiple submitters, no conflicts (2 of 4 stars). 4 submissions from 4 submitters: Benign (1); Likely benign (3). Last evaluated 2025-06-20.

Conditions:
Hereditary cancer-predisposing syndrome. Also called: Hereditary Cancer Syndrome; Neoplastic Syndromes, Hereditary; Tumor predisposition; Hereditary neoplastic syndrome. Identifiers: Orphanet 140162, MedGen C0027672, MeSH D009386, MONDO:0015356.
Familial cancer of breast. Also called: Hereditary breast cancer; BREAST CANCER, FAMILIAL; hereditary breast carcinoma. Identifiers: Orphanet 227535, MedGen C0346153, MONDO:0016419, OMIM 114480. Disease mechanism: loss of function.

Allele frequency attached by ClinVar (database versions not stated): TOPMed below 0.00001.
gnomAD v4.1: 1 of 1,613,920 alleles (0.000062%); highest among the groups gnomAD compares: Non-Finnish European, 0.000085%; no homozygotes.

Submissions (4):

Labcorp Genetics (formerly Invitae), Labcorp
Classification: Likely benign for Familial cancer of breast. Last evaluated: 2025-06-20. Review status: criteria provided, single submitter. Criteria: Invitae Variant Classification Sherloc (09022015). Collection method: clinical testing. Allele origin: germline.

Myriad Genetics, Inc.
Classification: Benign for Familial cancer of breast. Last evaluated: 2024-07-29. Review status: criteria provided, single submitter. Criteria: Myriad Autosomal Dominant, Autosomal Recessive and X-Linked Classification Criteria (2023). Collection method: clinical testing. Allele origin: unknown.
Comment: This variant is considered benign. This variant is a silent/synonymous amino acid change and it is not expected to impact splicing.

Ambry Genetics
Classification: Likely benign for Hereditary cancer-predisposing syndrome. Last evaluated: 2023-08-20. Review status: criteria provided, single submitter. Criteria: Ambry Variant Classification Scheme 2023. Collection method: clinical testing. Allele origin: germline.

Color Diagnostics, LLC DBA Color Health
Classification: Likely benign for Hereditary cancer-predisposing syndrome. Last evaluated: 2017-04-17. Review status: criteria provided, single submitter. Criteria: ACMG Guidelines, 2015. Collection method: clinical testing. Allele origin: germline.